The following is an entry in ClinVar:

ClinVar aggregate classification (germline): Likely benign. Review status: criteria provided, multiple submitters, no conflicts (2 of 4 stars). 2 submissions from 2 submitters: Likely benign (2). Last evaluated 2025-09-30.

Allele frequency attached by ClinVar (database versions not stated): gnomAD exomes 0.00003 and 0.00007; gnomAD 0.00004 and 0.00005; TOPMed 0.00006; ExAC 0.00007.
gnomAD v4.1: 56 of 1,614,238 alleles (0.0035%); highest among the groups gnomAD compares: East Asian, 0.027%; no homozygotes.

Submissions (2):

Labcorp Genetics (formerly Invitae), Labcorp
Classification: Likely benign. Last evaluated: 2025-09-30. Review status: criteria provided, single submitter. Criteria: Invitae Variant Classification Sherloc (09022015). Collection method: clinical testing. Allele origin: germline.

CeGaT Center for Human Genetics Tuebingen
Classification: Likely benign. Last evaluated: 2024-07-01. Review status: criteria provided, single submitter. Criteria: CeGaT Center For Human Genetics Tuebingen Variant Classification Criteria Version 2. Collection method: clinical testing. Allele origin: germline. Affected: yes. Observed: 1 variant allele.
Comment: TREM2: BP4, BP7

NM_018965.4(TREM2):c.258C>T (p.Asp86=)

Gene: TREM2 (triggering receptor expressed on myeloid cells 2; minus strand). Cytogenetic location: 6p21.1.
Variant type: single nucleotide variant.
Coding change: c.258C>T on transcript NM_018965.4 (MANE Select); coding-DNA position 258, C replaced by T.
Protein change: p.Asp86=; no amino-acid change (aspartic acid 86 retained).
Molecular consequence: synonymous variant.
Genome position (GRCh38, 1-based): chr6:41,161,396, G>A on the plus strand (C>T on the coding strand, the complement: TREM2 is on the minus strand). VCF-style: chr6-41161396-G-A. GRCh37 (hg19) VCF-style: chr6-41129134-G-A.
Other names: c.258C>T, p.Asp86= (NM_001271821.2).
Identifiers: ClinVar variation 764020 (VCV000764020.25), dbSNP rs551003505, ClinGen allele CA3798936.